The following is an entry in ClinVar:

ClinVar aggregate classification (germline): Uncertain significance (1 of 4 stars; one submission).

Conditions:
Developmental and epileptic encephalopathy, 23 (DEE23). Also called: Epileptic encephalopathy, early infantile, 23. Identifiers: Orphanet 411986, MedGen C4014492, MONDO:0014371, OMIM 615859.

Allele frequency attached by ClinVar (database versions not stated): gnomAD exomes below 0.00001.

Submission:

Labcorp Genetics (formerly Invitae), Labcorp
Classification: Uncertain significance for Developmental and epileptic encephalopathy, 23. Last evaluated: 2022-07-26. Review status: criteria provided, single submitter. Criteria: Invitae Variant Classification Sherloc (09022015). Collection method: clinical testing. Allele origin: germline.
Comment: This sequence change replaces lysine, which is basic and polar, with arginine, which is basic and polar, at codon 21 of the DOCK7 protein (p.Lys21Arg). This variant is present in population databases (no rsID available, gnomAD 0.003%). This variant has not been reported in the literature in individuals affected with DOCK7-related conditions. Algorithms developed to predict the effect of missense changes on protein structure and function are either unavailable or do not agree on the potential impact of this missense change (SIFT: "Deleterious"; PolyPhen-2: "Benign"; Align-GVGD: "Class C0"). In summary, the available evidence is currently insufficient to determine the role of this variant in disease. Therefore, it has been classified as a Variant of Uncertain Significance.

NM_001367561.1(DOCK7):c.62A>G (p.Lys21Arg)

Gene: DOCK7 (dedicator of cytokinesis 7; minus strand). Cytogenetic location: 1p31.3.
Variant type: single nucleotide variant.
Coding change: c.62A>G on transcript NM_001367561.1 (MANE Select); coding-DNA position 62, A replaced by G.
Protein change: p.Lys21Arg; replaces lysine 21 with arginine.
Molecular consequence: missense variant.
Genome position (GRCh38, 1-based): chr1:62,663,107, T>C on the plus strand (A>G on the coding strand, the complement: DOCK7 is on the minus strand). VCF-style: chr1-62663107-T-C. GRCh37 (hg19) VCF-style: chr1-63128778-T-C.
Other names: c.62A>G, p.Lys21Arg (NM_001271999.2, NM_001272000.2, NM_001272001.2 and 3 more transcripts); short protein forms K21R.
Identifiers: ClinVar variation 1968308 (VCV001968308.2), dbSNP rs1436018561, ClinGen allele CA340708291.